The following is an entry in ClinVar:

ClinVar aggregate classification (germline): Uncertain significance (1 of 4 stars; one submission).

Conditions:
Hereditary cancer-predisposing syndrome. Also called: Hereditary neoplastic syndrome; Tumor predisposition; Neoplastic Syndromes, Hereditary; Hereditary Cancer Syndrome. Identifiers: Orphanet 140162, MedGen C0027672, MeSH D009386, MONDO:0015356.

Submission:

Labcorp Genetics (formerly Invitae), Labcorp
Classification: Uncertain significance for Hereditary cancer-predisposing syndrome. Last evaluated: 2018-03-08. Review status: criteria provided, single submitter. Criteria: Invitae Variant Classification Sherloc (09022015). Collection method: clinical testing. Allele origin: germline.
Comment: In summary, the available evidence is currently insufficient to determine the role of this variant in disease. Therefore, it has been classified as a Variant of Uncertain Significance. Algorithms developed to predict the effect of missense changes on protein structure and function (SIFT, PolyPhen-2, Align-GVGD) all suggest that this variant is likely to be disruptive, but these predictions have not been confirmed by published functional studies and their clinical significance is uncertain. This variant has not been reported in the literature in individuals with RAD50-related disease. This variant is not present in population databases (ExAC no frequency). This sequence change replaces serine with threonine at codon 130 of the RAD50 protein (p.Ser130Thr). The serine residue is highly conserved and there is a small physicochemical difference between serine and threonine.

NM_005732.4(RAD50):c.389G>C (p.Ser130Thr)

Gene: RAD50 (RAD50 double strand break repair protein; plus strand). Cytogenetic location: 5q31.1.
Variant type: single nucleotide variant.
Coding change: c.389G>C on transcript NM_005732.4 (MANE Select); coding-DNA position 389, G replaced by C.
Protein change: p.Ser130Thr; replaces serine 130 with threonine.
Molecular consequence: missense variant.
Genome position (GRCh38, 1-based): chr5:132,579,340, G>C. VCF-style: chr5-132579340-G-C. GRCh37 (hg19) VCF-style: chr5-131915032-G-C.
Other names: short protein forms S130T.
Identifiers: ClinVar variation 571687 (VCV000571687.9), dbSNP rs1561635832, ClinGen allele CA360933470.